The following is an entry in ClinVar:

ClinVar aggregate classification (germline): Benign. Review status: criteria provided, multiple submitters, no conflicts (2 of 4 stars). 2 submissions from 2 submitters: Benign (2). Last evaluated 2018-01-12.

Conditions:
Keutel syndrome (KTLS). Identifiers: Orphanet 85202, MedGen C1855607, MONDO:0009495, OMIM 245150.

Allele frequency attached by ClinVar (database versions not stated): gnomAD exomes 0.30170; 1000 Genomes Project 0.32408; 1000 Genomes Project 30x 0.32667; gnomAD 0.36636 and 0.36985; TOPMed 0.37247.
gnomAD v4.1: 56,427 of 153,966 alleles (37%); highest among the groups gnomAD compares: Middle Eastern, 40%; 10,819 homozygotes.

Submissions (2):

Illumina Laboratory Services, Illumina
Classification: Benign for Keutel syndrome. Last evaluated: 2018-01-12. Review status: criteria provided, single submitter. Criteria: ICSL Variant Classification Criteria 13 December 2019. Collection method: clinical testing. Allele origin: germline.
Comment: This variant was observed in the ICSL laboratory as part of a predisposition screen in an ostensibly healthy population. It had not been previously curated by ICSL or reported in the Human Gene Mutation Database (HGMD: prior to June 1st, 2018), and was therefore a candidate for classification through an automated scoring system. Utilizing variant allele frequency, disease prevalence and penetrance estimates, and inheritance mode, an automated score was calculated to assess if this variant is too frequent to cause the disease. Based on the score and internal cut-off values, a variant classified as benign is not then subjected to further curation. The score for this variant resulted in a classification of benign for this disease.

Breakthrough Genomics
Classification: Benign. Review status: criteria provided, single submitter. Criteria: ACMG Guidelines, 2015. Collection method: not provided. Allele origin: germline. Inheritance: Autosomal recessive inheritance. Affected: yes.

NM_000900.5(MGP):c.*552A>T

Genes: MGP (matrix Gla protein; minus strand), LOC126861465 (CDK7 strongly-dependent group 2 enhancer GRCh37_chr12:15033676-15034875; plus strand). Cytogenetic location: 12p12.3.
Variant type: single nucleotide variant.
Coding change: c.*552A>T on transcript NM_000900.5 (MANE Select); 552 bases downstream of the stop codon, A replaced by T.
Molecular consequence: 3 prime UTR variant.
Genome position (GRCh38, 1-based): chr12:14,881,587, T>A on the plus strand (A>T on the coding strand, the complement: MGP is on the minus strand). VCF-style: chr12-14881587-T-A. GRCh37 (hg19) VCF-style: chr12-15034521-T-A.
Other names: c.*552A>T (NM_001190839.3).
Identifiers: ClinVar variation 307759 (VCV000307759.6), dbSNP rs1049897, ClinGen allele CA10641420.